The following is an entry in ClinVar:

NM_003611.3(OFD1):c.1621G>A (p.Asp541Asn)

Gene: OFD1 (OFD1 centriole and centriolar satellite protein; plus strand). Cytogenetic location: Xp22.2.
Variant type: single nucleotide variant.
Coding change: c.1621G>A on transcript NM_003611.3 (MANE Select); coding-DNA position 1621, G replaced by A.
Protein change: p.Asp541Asn; replaces aspartic acid 541 with asparagine.
Molecular consequence: missense variant.
Genome position (GRCh38, 1-based): chrX:13,758,415, G>A. VCF-style: chrX-13758415-G-A. GRCh37 (hg19) VCF-style: chrX-13776534-G-A.
Other names: c.1501G>A, p.Asp501Asn (NM_001330209.2); c.1201G>A, p.Asp401Asn (NM_001330210.2); short protein forms D501N, D401N, D541N.
Identifiers: ClinVar variation 2152800 (VCV002152800.5), dbSNP rs766216982, ClinGen allele CA10351853.

ClinVar aggregate classification (germline): Uncertain significance. Review status: criteria provided, multiple submitters, no conflicts (2 of 4 stars). 2 submissions from 2 submitters: Uncertain significance (2). Last evaluated 2026-01-05.

Conditions:
Orofaciodigital syndrome I (OFD1). Also called: OFDS I; Oral-Facial-Digital Syndrome Type I; Papillon-Leage and Psaume Syndrome. Identifiers: Orphanet 2750, MedGen C1510460, MONDO:0010702, OMIM 311200.
Joubert syndrome. Also called: JOUBERT-BOLTSHAUSER SYNDROME; Familial aplasia of the vermis. Identifiers: Orphanet 475, MedGen C5979921, MONDO:0018772.

Allele frequency attached by ClinVar (database versions not stated): ExAC 0.00001.
gnomAD v4.1: 14 of 1,201,695 alleles (0.0012%); highest among the groups gnomAD compares: South Asian, 0.0018%; no homozygotes.

Submissions (2):

Labcorp Genetics (formerly Invitae), Labcorp
Classification: Uncertain significance for Orofaciodigital syndrome I; Joubert syndrome. Last evaluated: 2026-01-05. Review status: criteria provided, single submitter. Criteria: Invitae Variant Classification Sherloc (09022015). Collection method: clinical testing. Allele origin: germline.
Comment: This sequence change replaces aspartic acid, which is acidic and polar, with asparagine, which is neutral and polar, at codon 541 of the OFD1 protein (p.Asp541Asn). The frequency data for this variant in the population databases is considered unreliable, as metrics indicate poor data quality at this position in the gnomAD database. This variant has not been reported in the literature in individuals affected with OFD1-related conditions. ClinVar contains an entry for this variant (Variation ID: 2152800). Invitae Evidence Modeling of protein sequence and biophysical properties (such as structural, functional, and spatial information, amino acid conservation, physicochemical variation, residue mobility, and thermodynamic stability) has been performed for this missense variant. However, the output from this modeling did not meet the statistical confidence thresholds required to predict the impact of this variant on OFD1 protein function. In summary, the available evidence is currently insufficient to determine the role of this variant in disease. Therefore, it has been classified as a Variant of Uncertain Significance.

Blueprint Genetics
Classification: Uncertain significance. Last evaluated: 2023-09-18. Review status: criteria provided, single submitter. Criteria: ACMG Guidelines, 2015. Collection method: clinical testing. Allele origin: germline.